The following is an entry in ClinVar:

NM_001363711.2(DUOX2):c.3250C>T (p.Arg1084Ter)

Gene: DUOX2 (dual oxidase 2; minus strand). Cytogenetic location: 15q21.1.
Variant type: single nucleotide variant.
Coding change: c.3250C>T on transcript NM_001363711.2 (MANE Select); coding-DNA position 3250, C replaced by T.
Protein change: p.Arg1084Ter; replaces arginine 1084 with a stop codon.
Molecular consequence: nonsense.
Genome position (GRCh38, 1-based): chr15:45,099,827, G>A on the plus strand (C>T on the coding strand, the complement: DUOX2 is on the minus strand). VCF-style: chr15-45099827-G-A. GRCh37 (hg19) VCF-style: chr15-45392025-G-A.
Other names: c.3250C>T, p.Arg1084Ter (NM_014080.5); short protein forms R1084*.
Identifiers: ClinVar variation 631731 (VCV000631731.21), dbSNP rs368975704, ClinGen allele CA7537948.

ClinVar aggregate classification (germline): Conflicting classifications of pathogenicity. Review status: criteria provided, conflicting classifications (1 of 4 stars). 6 submissions from 6 submitters: Pathogenic (4); Likely pathogenic (1); Uncertain significance (1). Last evaluated 2026-03-26.

Conditions:
DUOX2-related disorder. Also called: DUOX2-related condition.
Thyroid dyshormonogenesis 6 (TDH6). Also called: THYROID HORMONOGENESIS, GENETIC DEFECT IN, 6; Genetic transient congenital hypothyroidism; HYPOTHYROIDISM, CONGENITAL, DUE TO DYSHORMONOGENESIS, 6. Identifiers: Orphanet 226316, Orphanet 95716, MedGen C1846632, MONDO:0011792, OMIM 607200.

Allele frequency attached by ClinVar (database versions not stated): gnomAD 0.00004 and 0.00005; gnomAD exomes 0.00007 and 0.00008; TOPMed 0.00007; ESP Exome Variant Server 0.00008; ExAC 0.00010; 1000 Genomes Project 0.00020; 1000 Genomes Project 30x 0.00031.
gnomAD v4.1: 112 of 1,614,238 alleles (0.0069%); highest among the groups gnomAD compares: Middle Eastern, 0.016%; no homozygotes.

Submissions (6):

GeneDx
Classification: Uncertain significance. Last evaluated: 2026-03-26. Review status: criteria provided, single submitter. Criteria: GeneDx Variant Classification Process June 2021. Collection method: clinical testing. Allele origin: germline.
Comment: Nonsense variant predicted to result in protein truncation or nonsense mediated decay in a gene for which loss of function is a known mechanism of disease; This variant is associated with the following publications: (PMID: 39033325, 34426522, 30240412, 31980526, 34200080, 34564849, 33631011, 24423310, 24735383, 18765513, 21565790, 12110737)

Labcorp Genetics (formerly Invitae), Labcorp
Classification: Pathogenic. Last evaluated: 2026-01-04. Review status: criteria provided, single submitter. Criteria: Invitae Variant Classification Sherloc (09022015). Collection method: clinical testing. Allele origin: germline.
Comment: This sequence change creates a premature translational stop signal (p.Arg1084*) in the DUOX2 gene. It is expected to result in an absent or disrupted protein product. Loss-of-function variants in DUOX2 are known to be pathogenic (PMID: 12110737, 18765513, 21565790, 24423310, 24735383). This variant is present in population databases (rs368975704, gnomAD 0.02%). This premature translational stop signal has been observed in individual(s) with thyroid hypoplasia (PMID: 30240412). ClinVar contains an entry for this variant (Variation ID: 631731). Algorithms developed to predict the effect of sequence changes on RNA splicing suggest that this variant may disrupt the consensus splice site. For these reasons, this variant has been classified as Pathogenic.

Dasa
Classification: Pathogenic. Last evaluated: 2025-09-03. Review status: criteria provided, single submitter. Criteria: DASA Assertion Criteria. Collection method: clinical testing. Allele origin: germline.
Comment: NM_001363711.2(DUOX2):c.3250C>T (p.Arg1084*) is a nonsense variant in DUOX2 predicted to introduce a premature termination codon and is predicted to result in an absent or altered protein product. Loss of function is an established disease mechanism for DUOX2-associated disorders. This variant has been reported in individuals with DUOX2-related disorders (PMID: 30240412). Also, this variant is rare in population databases. Based on the currently available evidence, this variant is classified as pathogenic.

PreventionGenetics, part of Exact Sciences
Classification: Pathogenic for DUOX2-related condition. Last evaluated: 2025-01-06. Review status: criteria provided, single submitter. Criteria: ACMG Guidelines, 2015. Collection method: clinical testing. Allele origin: germline.
Comment: The DUOX2 c.3250C>T variant is predicted to result in premature protein termination (p.Arg1084*). This variant has been reported in the heterozygous state in an individual with a hypoplastic thyroid; a second pathogenic variant was not identified (Makretskaya et al. 2018. PubMed ID: 30240412). Loss-of-function variants in DUOX2 are known to be pathogenic. Based on the available evidence, we consider the DUOX2 c.3250C>T (p.Arg1084*) variant to be pathogenic.

Fulgent Genetics
Classification: Likely pathogenic for Thyroid dyshormonogenesis 6. Last evaluated: 2024-05-30. Review status: criteria provided, single submitter. Criteria: ACMG Guidelines, 2015. Collection method: clinical testing. Allele origin: germline.

Juno Genomics, Hangzhou Juno Genomics, Inc
Classification: Pathogenic for Thyroid dyshormonogenesis 6. Review status: criteria provided, single submitter. Criteria: ACMG Guidelines, 2015. Collection method: clinical testing. Allele origin: germline.
Comment: Absent from controls (or at extremely low frequency if recessive) in Genome Aggregation Database.;Null variant in a gene where loss of function (LOF) is a known mechanism of disease.;Patient's phenotype or family history is highly specific for a disease with a single genetic etiology.

Literature cited by the submitters: PubMed 12110737 (cited by Labcorp Genetics (formerly Invitae), Labcorp); PubMed 18765513 (cited by Labcorp Genetics (formerly Invitae), Labcorp); PubMed 21565790 (cited by Labcorp Genetics (formerly Invitae), Labcorp); PubMed 24423310 (cited by Labcorp Genetics (formerly Invitae), Labcorp); PubMed 24735383 (cited by Labcorp Genetics (formerly Invitae), Labcorp); PubMed 30240412 (cited by Labcorp Genetics (formerly Invitae), Labcorp and Dasa).